The following is an entry in ClinVar:

ClinVar aggregate classification (germline): Likely benign. Review status: criteria provided, multiple submitters, no conflicts (2 of 4 stars). 2 submissions from 2 submitters: Likely benign (2). Last evaluated 2022-07-06.

Conditions:
Koolen-de Vries syndrome (KDVS). Identifiers: Orphanet 96169, MedGen C1864871, MONDO:0012496, OMIM 610443.

Allele frequency attached by ClinVar (database versions not stated): ExAC 0.00002; TOPMed 0.00003; gnomAD 0.00007 and 0.00008; ESP Exome Variant Server 0.00008.
gnomAD v4.1: 14 of 1,614,074 alleles (0.00087%); highest among the groups gnomAD compares: African/African-American, 0.019%; no homozygotes.

Submissions (2):

Labcorp Genetics (formerly Invitae), Labcorp
Classification: Likely benign for Koolen-de Vries syndrome. Last evaluated: 2022-07-06. Review status: criteria provided, single submitter. Criteria: Invitae Variant Classification Sherloc (09022015). Collection method: clinical testing. Allele origin: germline.

GeneDx
Classification: Likely benign. Last evaluated: 2016-02-04. Review status: criteria provided, single submitter. Criteria: GeneDx Variant Classification (06012015). Collection method: clinical testing. Allele origin: germline. Affected: yes.
Comment: This variant is considered likely benign or benign based on one or more of the following criteria: it is a conservative change, it occurs at a poorly conserved position in the protein, it is predicted to be benign by multiple in silico algorithms, and/or has population frequency not consistent with disease.

NM_015443.4(KANSL1):c.1128T>A (p.Ile376=)

Gene: KANSL1 (KAT8 regulatory NSL complex subunit 1). Cytogenetic location: 17q21.31.
Variant type: single nucleotide variant.
Coding change: c.1128T>A on transcript NM_015443.4 (MANE Select); coding-DNA position 1128, T replaced by A.
Protein change: p.Ile376=; no amino-acid change (isoleucine 376 retained).
Molecular consequence: synonymous variant.
Genome position (GRCh38, 1-based): chr17:46,171,016, A>T on the plus strand (T>A on the coding strand, the complement: KANSL1 is on the minus strand). VCF-style: chr17-46171016-A-T. GRCh37 (hg19) VCF-style: chr17-44248382-A-T.
Other names: c.1128T>A, p.Ile376= (NM_001193465.2, NM_001193466.2, NM_001379198.1).
Identifiers: ClinVar variation 377989 (VCV000377989.8), dbSNP rs148054472, ClinGen allele CA8618886.